The following is an entry in ClinVar:

ClinVar aggregate classification (germline): Uncertain significance (1 of 4 stars; one submission).

Conditions:
Epidermodysplasia verruciformis. Identifiers: Orphanet 302, MedGen C0014522, MONDO:0009176.

gnomAD v4.1: 13 of 1,613,556 alleles (0.00081%); highest among the groups gnomAD compares: South Asian, 0.0011%; no homozygotes.

Submission:

Labcorp Genetics (formerly Invitae), Labcorp
Classification: Uncertain significance for Epidermodysplasia verruciformis. Last evaluated: 2022-03-11. Review status: criteria provided, single submitter. Criteria: Invitae Variant Classification Sherloc (09022015). Collection method: clinical testing. Allele origin: germline.
Comment: In summary, the available evidence is currently insufficient to determine the role of this variant in disease. Therefore, it has been classified as a Variant of Uncertain Significance. Algorithms developed to predict the effect of missense changes on protein structure and function are either unavailable or do not agree on the potential impact of this missense change (SIFT: "Tolerated"; PolyPhen-2: "Probably Damaging"; Align-GVGD: "Class C0"). This variant has not been reported in the literature in individuals affected with TMC8-related conditions. This variant is not present in population databases (gnomAD no frequency). This sequence change replaces valine, which is neutral and non-polar, with methionine, which is neutral and non-polar, at codon 423 of the TMC8 protein (p.Val423Met).

NM_152468.5(TMC8):c.1267G>A (p.Val423Met)

Gene: TMC8 (transmembrane channel like 8; plus strand). Cytogenetic location: 17q25.3.
Variant type: single nucleotide variant.
Coding change: c.1267G>A on transcript NM_152468.5 (MANE Select); coding-DNA position 1267, G replaced by A.
Protein change: p.Val423Met; replaces valine 423 with methionine.
Molecular consequence: missense variant.
Genome position (GRCh38, 1-based): chr17:78,137,732, G>A. VCF-style: chr17-78137732-G-A. GRCh37 (hg19) VCF-style: chr17-76133813-G-A.
Other names: short protein forms V423M.
Identifiers: ClinVar variation 2182401 (VCV002182401.4), dbSNP rs368534068, ClinGen allele CA294366827.